The following is an entry in ClinVar:

ClinVar aggregate classification (germline): Conflicting classifications of pathogenicity. Review status: criteria provided, conflicting classifications (1 of 4 stars). 10 submissions from 10 submitters: Uncertain significance (5); Likely benign (1). 4 of the submissions do not count toward it. Last evaluated 2025-07-29.

Conditions:
BRCA2-related cancer predisposition. Identifiers: MedGen CN377758, MONDO:0700269.
Hereditary cancer-predisposing syndrome. Also called: Neoplastic Syndromes, Hereditary; Hereditary neoplastic syndrome; Tumor predisposition; Hereditary Cancer Syndrome. Identifiers: Orphanet 140162, MedGen C0027672, MeSH D009386, MONDO:0015356.
Hereditary breast ovarian cancer syndrome. Also called: Hereditary breast and/or ovarian cancer syndrome; Breast and ovarian cancer; BRCA1- and BRCA2-Associated Hereditary Breast and Ovarian Cancer; Hereditary breast and ovarian cancer; Hereditary breast and ovarian cancer syndrome; Hereditary breast and ovarian cancer syndrome (HBOC). Identifiers: Orphanet 145, MedGen C0677776, MeSH D061325, MONDO:0003582. Disease mechanism: loss of function.
Breast-ovarian cancer, familial, susceptibility to, 2 (BROVCA2). Also called: BRCA2 Hereditary Breast and Ovarian Cancer. Identifiers: Orphanet 145, MedGen C2675520, MONDO:0012933, OMIM 612555. Disease mechanism: loss of function.
Malignant tumor of breast. Also called: Cancer breast; Malignant breast neoplasm. Identifiers: MedGen C0006142, MONDO:0007254. Disease mechanism: loss of function.

Allele frequency attached by ClinVar (database versions not stated): gnomAD exomes 0.00001 and 0.00002; TOPMed 0.00001; ExAC 0.00002; gnomAD 0.00003.
gnomAD v4.1: 21 of 1,613,696 alleles (0.0013%); highest among the groups gnomAD compares: Non-Finnish European, 0.00051%; no homozygotes.

Submissions (10):

Labcorp Genetics (formerly Invitae), Labcorp
Classification: Uncertain significance for Hereditary breast ovarian cancer syndrome. Last evaluated: 2025-07-29. Review status: criteria provided, single submitter. Criteria: Invitae Variant Classification Sherloc (09022015). Collection method: clinical testing. Allele origin: germline.
Comment: This sequence change replaces isoleucine, which is neutral and non-polar, with valine, which is neutral and non-polar, at codon 79 of the BRCA2 protein (p.Ile79Val). This variant is present in population databases (rs80358502, gnomAD 0.03%). This missense change has been observed in individual(s) with colorectal cancer and breast cancer (PMID: 28135145, 30287823; internal data). It has also been observed to segregate with disease in related individuals. ClinVar contains an entry for this variant (Variation ID: 37783). Invitae Evidence Modeling of protein sequence and biophysical properties (such as structural, functional, and spatial information, amino acid conservation, physicochemical variation, residue mobility, and thermodynamic stability) indicates that this missense variant is not expected to disrupt BRCA2 protein function with a negative predictive value of 95%. In summary, the available evidence is currently insufficient to determine the role of this variant in disease. Therefore, it has been classified as a Variant of Uncertain Significance.

All of Us Research Program, National Institutes of Health
Classification: Uncertain significance for BRCA2-related cancer predisposition. Last evaluated: 2024-08-30. Review status: criteria provided, single submitter. Criteria: ACMG Guidelines, 2015. Collection method: clinical testing. Allele origin: germline. Inheritance: Autosomal dominant inheritance. Observed: 4 variant alleles, 4 heterozygotes.
Comment: This missense variant replaces isoleucine with valine at codon 79 of the BRCA2 protein. Computational prediction suggests that this variant may not impact protein structure and function (internally defined REVEL score threshold <= 0.5, PMID: 27666373). To our knowledge, functional studies have not been reported for this variant. This variant has been reported in an individual affected with breast cancer and detected in a breast cancer case-control meta-analysis in 3/60466 cases and 0/53461 unaffected individuals (PMID: 30287823, 33471991; Leiden Open Variation Database DB-ID BRCA2_006250). This variant has been identified in 7/282774 chromosomes in the general population by the Genome Aggregation Database (gnomAD). The available evidence is insufficient to determine the role of this variant in disease conclusively. Therefore, this variant is classified as a Variant of Uncertain Significance.

This study involves interpretation of variants in research participants for the purpose of population health screening. Participant phenotype was not available at the time of variant classification. Additional details can be found in publication PMID: 35346344, PMCID: PMC8962531

Blueprint Genetics
Classification: Uncertain significance. Last evaluated: 2024-06-06. Review status: criteria provided, single submitter. Criteria: ACMG Guidelines, 2015. Collection method: clinical testing. Allele origin: germline.

Color Diagnostics, LLC DBA Color Health
Classification: Uncertain significance for Hereditary cancer-predisposing syndrome. Last evaluated: 2023-12-21. Review status: criteria provided, single submitter. Criteria: ACMG Guidelines, 2015. Collection method: clinical testing. Allele origin: germline.
Comment: This missense variant replaces isoleucine with valine at codon 79 of the BRCA2 protein. Computational prediction suggests that this variant may not impact protein structure and function (internally defined REVEL score threshold <= 0.5, PMID: 27666373). To our knowledge, functional studies have not been reported for this variant. This variant has been reported in an individual affected with breast cancer and detected in a breast cancer case-control meta-analysis in 3/60466 cases and 0/53461 unaffected individuals (PMID: 30287823, 33471991; Leiden Open Variation Database DB-ID BRCA2_006250). This variant has been identified in 7/282774 chromosomes in the general population by the Genome Aggregation Database (gnomAD). The available evidence is insufficient to determine the role of this variant in disease conclusively. Therefore, this variant is classified as a Variant of Uncertain Significance.

GeneDx
Classification: Uncertain significance. Last evaluated: 2022-12-01. Review status: criteria provided, single submitter. Criteria: GeneDx Variant Classification Process June 2021. Collection method: clinical testing. Allele origin: germline. Affected: yes.
Comment: In silico analysis supports that this missense variant does not alter protein structure/function; Also known as 463A>G; This variant is associated with the following publications: (PMID: 28135145, 30287823)

Ambry Genetics
Classification: Likely benign for Hereditary cancer-predisposing syndrome. Last evaluated: 2016-07-20. Review status: criteria provided, single submitter. Criteria: Ambry Variant Classification Scheme 2023. Collection method: clinical testing. Allele origin: germline.

BRCAlab, Lund University
Classification: Uncertain significance for Breast-ovarian cancer, familial, susceptibility to, 2. Last evaluated: 2020-03-02. Review status: no assertion criteria provided. Collection method: clinical testing. Allele origin: germline. Affected: yes. Not counted in ClinVar's aggregate classification.

Sharing Clinical Reports Project (SCRP)
Classification: Uncertain significance for Breast-ovarian cancer, familial 2. Last evaluated: 2008-01-31. Review status: no assertion criteria provided. Collection method: clinical testing. Allele origin: germline. Not counted in ClinVar's aggregate classification.

Breast Cancer Information Core (BIC) (BRCA2)
Classification: Uncertain significance for Breast-ovarian cancer, familial 2. Last evaluated: 2004-02-20. Review status: no assertion criteria provided. Collection method: clinical testing. Allele origin: germline. Affected: yes. Observed: 1 variant allele. Not counted in ClinVar's aggregate classification.

Department of Pathology and Laboratory Medicine, Sinai Health System
Classification: Uncertain significance for Malignant tumor of breast. Review status: no assertion criteria provided. Collection method: clinical testing. Allele origin: unknown. Affected: yes. Observed: 1 variant allele. Study: The Canadian Open Genetics Repository (COGR). Not counted in ClinVar's aggregate classification.
Comment: The BRCA2 p.Ile79Val variant was not identified in the literature, nor was it identified in the NHLBI Exome Sequencing Project (Exome Variant Server), Fanconiâ€šÃ„Ã´s Anemia Mutation Database (LOVD), COSMIC, GeneInsight COGR, MutDB or ARUP . This variant was identified in the Exome Aggregation Consortium (ExAC) database (released Oct 20th, 2014) in 3 of 121174 chromosomes (frequency: 2.05x10-5); all 3 were found in 6614 alleles (frequency: 4.54x10-4) in the European Finnish population, increasing the likelihood that this may be a low frequency benign variant. The variant was not identified in populations of South Asians, European (Non-Finnish), East Asian, African, Latino, and other individuals.The variant was also identified in dbSNP (ID: rs80358502 â€šÃ„ÃºWith Uncertain significance alleleâ€šÃ„Ã¹. The ClinVar database classified the variant as an uncertain significance variant by the Sharing Clinical Reports Project, derived from Myriad reports), as uncertain significance by BIC and classification not provided by Invitae. The variant was identified in BIC database (1x with Unknown clinical importance), and BRCA Share UMD (1x as an unknown variant). The p.Ile79 residue is not conserved in mammals and the variant amino acid Valine (Val) is present in Cows and African clawed frogs, increasing the likelihood that this variant does not have clinical significance. Computational analyses (PolyPhen-2, SIFT, AlignGVGD, BLOSUM, MutationTaster) do not suggest a high likelihood of impact to the protein. The c.235A>G variant occurs outside of the splicing consensus sequence and 3 of 5 in silico or computational prediction software programs (SpliceSiteFinder, MaxEntScan, NNSPLICE, GeneSplicer, HumanSpliceFinder) predict the creation of a cryptic splice acceptor site. However, this information is not predictive enough to assume pathogenicity. In summary, based on the above information, the clinical significance of this variant cannot be determined with certainty at this time although we would lean towards a more benign role for this variant. This variant is classified as a variant of unknown significance.

Literature cited by the submitters: PubMed 28135145 (cited by Labcorp Genetics (formerly Invitae), Labcorp); PubMed 30287823 (cited by 3 submitters); PubMed 33471991 (cited by All of Us Research Program, National Institutes of Health and Color Diagnostics, LLC DBA Color Health).

NM_000059.4(BRCA2):c.235A>G (p.Ile79Val)

Gene: BRCA2 (BRCA2 DNA repair associated; plus strand). Cytogenetic location: 13q13.1.
Variant type: single nucleotide variant.
Coding change: c.235A>G on transcript NM_000059.4 (MANE Select); coding-DNA position 235, A replaced by G.
Protein change: p.Ile79Val; replaces isoleucine 79 with valine.
Molecular consequence: missense variant.
Genome position (GRCh38, 1-based): chr13:32,319,244, A>G. VCF-style: chr13-32319244-A-G. GRCh37 (hg19) VCF-style: chr13-32893381-A-G.
Other names: short protein forms I79V.
Identifiers: ClinVar variation 37783 (VCV000037783.27), dbSNP rs80358502, ClinGen allele CA015040.